The following is an entry in ClinVar:

NM_001605.3(AARS1):c.229C>T (p.Arg77Trp)

Gene: AARS1 (alanyl-tRNA synthetase 1; minus strand). Cytogenetic location: 16q22.1.
Variant type: single nucleotide variant.
Coding change: c.229C>T on transcript NM_001605.3 (MANE Select); coding-DNA position 229, C replaced by T.
Protein change: p.Arg77Trp; replaces arginine 77 with tryptophan.
Molecular consequence: missense variant.
Genome position (GRCh38, 1-based): chr16:70,277,070, G>A on the plus strand (C>T on the coding strand, the complement: AARS1 is on the minus strand). VCF-style: chr16-70277070-G-A. GRCh37 (hg19) VCF-style: chr16-70310973-G-A.
Other names: short protein forms R77W.
Identifiers: ClinVar variation 1682325 (VCV001682325.6), dbSNP rs1597446225, ClinGen allele CA396569672.

ClinVar aggregate classification (germline): Uncertain significance (1 of 4 stars; one submission).

Conditions:
Charcot-Marie-Tooth disease type 2. Also called: Charcot-Marie-Tooth type 2. Identifiers: Orphanet 64746, MedGen C0270914, MONDO:0018993.

Allele frequency attached by ClinVar (database versions not stated): TOPMed below 0.00001.

Submission:

Labcorp Genetics (formerly Invitae), Labcorp
Classification: Uncertain significance for Charcot-Marie-Tooth disease type 2. Last evaluated: 2023-08-17. Review status: criteria provided, single submitter. Criteria: Invitae Variant Classification Sherloc (09022015). Collection method: clinical testing. Allele origin: germline.
Comment: ClinVar contains an entry for this variant (Variation ID: 1682325). This sequence change replaces arginine, which is basic and polar, with tryptophan, which is neutral and slightly polar, at codon 77 of the AARS protein (p.Arg77Trp). This variant is not present in population databases (gnomAD no frequency). This missense change has been observed in individual(s) with autosomal recessive early infantile epileptic encephalopathy (PMID: 32571458). Advanced modeling of protein sequence and biophysical properties (such as structural, functional, and spatial information, amino acid conservation, physicochemical variation, residue mobility, and thermodynamic stability) performed at Invitae indicates that this missense variant is expected to disrupt AARS protein function. In summary, the available evidence is currently insufficient to determine the role of this variant in disease. Therefore, it has been classified as a Variant of Uncertain Significance.

Literature cited by the submitters: PubMed 32571458.